The following is an entry in ClinVar:

NM_015378.4(VPS13D):c.530A>G (p.Lys177Arg)

Gene: VPS13D (vacuolar protein sorting 13 homolog D; plus strand). Cytogenetic location: 1p36.22.
Variant type: single nucleotide variant.
Coding change: c.530A>G on transcript NM_015378.4 (MANE Select); coding-DNA position 530, A replaced by G.
Protein change: p.Lys177Arg; replaces lysine 177 with arginine.
Molecular consequence: missense variant.
Genome position (GRCh38, 1-based): chr1:12,249,305, A>G. VCF-style: chr1-12249305-A-G. GRCh37 (hg19) VCF-style: chr1-12309362-A-G.
Other names: c.530A>G, p.Lys177Arg (NM_018156.4); short protein forms K177R.
Identifiers: ClinVar variation 1029394 (VCV001029394.1), dbSNP rs779567569, ClinGen allele CA601240.

ClinVar aggregate classification (germline): Uncertain significance (1 of 4 stars; one submission).

Conditions:
Autosomal recessive cerebellar ataxia-saccadic intrusion syndrome. Also called: SPINOCEREBELLAR ATAXIA 24; VPS13D Movement Disorder. Identifiers: Orphanet 95434, MedGen C1846492, MONDO:0011811, OMIM 607317.

Allele frequency attached by ClinVar (database versions not stated): gnomAD exomes below 0.00001; ExAC 0.00001.
gnomAD v4.1: 1 of 1,613,998 alleles (0.000062%); highest among the groups gnomAD compares: Non-Finnish European, 0.000085%; no homozygotes.

Submission:

Baylor Genetics
Classification: Uncertain significance for Autosomal recessive cerebellar ataxia-saccadic intrusion syndrome. Last evaluated: 2019-11-08. Review status: criteria provided, single submitter. Criteria: ACMG Guidelines, 2015. Collection method: clinical testing. Allele origin: unknown. Affected: yes.
Comment: This variant was determined to be of uncertain significance according to ACMG Guidelines, 2015 [PMID:25741868].